The following is an entry in ClinVar:

ClinVar aggregate classification (germline): Pathogenic. Review status: reviewed by expert panel (3 of 4 stars). 7 submissions from 7 submitters: Pathogenic (1). 6 of the submissions do not count toward it. Last evaluated 2026-07-10.

Conditions:
Glycogen storage disease, type II (IOPD). Also called: Glycogen storage disease type 2; Acid maltase deficiency disease; Aglucosidase alfa; Deficiency of alpha-glucosidase; GLYCOGENOSIS, GENERALIZED, CARDIAC FORM; GSD II. Identifiers: Orphanet 365, MedGen C0017921, MONDO:0009290, OMIM 232300.
GAA-related disorders.

Submissions (7):

ClinGen Lysosomal Storage Disorder Variant Curation Expert Panel
Classification: Pathogenic for Glycogen storage disease, type II. Last evaluated: 2026-07-10. Review status: reviewed by expert panel. Criteria: clingen_lsd_acmg_specifications_v2-1. Collection method: curation. Allele origin: germline. Inheritance: Autosomal recessive inheritance.
Comment: The NM_000152.5(GAA):c.2066_2070dup (p.Ala691fs) variant in GAA is a frameshift variant predicted to cause a premature stop codon in biologically-relevant-exon 15/20, leading to nonsense-mediated decay in a gene in which loss-of-function is an established disease mechanism (PVS1). At least six patients with this variant had documented GAA deficiency. One patient had <30% of the normal mean control level of GAA activity in cultured fibroblasts (PMID: 16838077), two patients reported to be on enzyme replacement therapy for Pompe disease (PMID: 27905573, 38250073) (PP4_Moderate). This variant has been detected in at least six individuals with Pompe disease. Of those individuals, four were compound heterozygous for the variant and a pathogenic variant (c.-32-13T>G); two were compound heterozygous for the variant and a pathogenic variant c.2238G>A (p.Trp746*), and none of those were confirmed in trans by parental/family testing or other methods. (PMID: 35787971, 23843830, 27905573, 38250073, 16838077) (PM3_Strong). There is a ClinVar entry for this variant (Variation ID: 92471; 2-star review status) with four submitters classifying this variant as pathogenic. In summary, this variant meets the criteria to be classified as pathogenic for Pompe disease, based on the ACMG/AMP criteria applied, as specified by the ClinGen Lysosomal Diseases Variant Curation Expert Panel. GAA-specific ACMG/AMP criteria applied (Specifications Version 2.0): PVS1, PP4_Moderate, PM2_Supporting, PM3_Strong. (Classification approved by the ClinGen Lysosomal Diseases Variant Curation Expert Panel on July 10, 2026)

Genomenon, Inc
Classification: Pathogenic for Glycogen storage disease, type II. Last evaluated: 2026-07-01. Review status: criteria provided, single submitter. Criteria: Genomenon Sequence Variant Interpretation Standards - Updated. Collection method: curation. Allele origin: germline. Affected: yes. Not counted in ClinVar's aggregate classification.
Comment: GAA p.Ala691SerfsTer7 (c.2066_2070dup) is a frameshift variant that is predicted to introduce a premature termination codon and result in a truncated or absent protein product. This variant has been observed in at least one proband with a GAA-related disorder (PMID:38250073;22334186;29149851;28972689;27905573;16838077;35787971). It is absent or not present at a significant frequency in gnomAD. In conclusion, we classify GAA p.Ala691SerfsTer7 (c.2066_2070dup) as a pathogenic variant.

Blueprint Genetics
Classification: Pathogenic for GAA-related disorders. Last evaluated: 2024-10-29. Review status: criteria provided, single submitter. Criteria: ACMG Guidelines, 2015. Collection method: clinical testing. Allele origin: germline. Affected: yes. Observed: 2 variant alleles. Not counted in ClinVar's aggregate classification.

Laboratory of Medical Genetics, National & Kapodistrian University of Athens
Classification: Pathogenic for Glycogen storage disease, type II. Last evaluated: 2024-02-01. Review status: criteria provided, single submitter. Criteria: ACMG Guidelines, 2015. Collection method: curation. Allele origin: germline. Affected: no. Not counted in ClinVar's aggregate classification.

Labcorp Genetics (formerly Invitae), Labcorp
Classification: Pathogenic for Glycogen storage disease, type II. Last evaluated: 2023-06-29. Review status: criteria provided, single submitter. Criteria: Invitae Variant Classification Sherloc (09022015). Collection method: clinical testing. Allele origin: germline. Not counted in ClinVar's aggregate classification.
Comment: For these reasons, this variant has been classified as Pathogenic. ClinVar contains an entry for this variant (Variation ID: 92471). This variant is also known as c.2071_2072insAGCCG. This premature translational stop signal has been observed in individuals with Pompe disease (PMID: 16838077, 29149851). This variant is not present in population databases (gnomAD no frequency). This sequence change creates a premature translational stop signal (p.Ala691Serfs*7) in the GAA gene. It is expected to result in an absent or disrupted protein product. Loss-of-function variants in GAA are known to be pathogenic (PMID: 18425781, 22252923).

Revvity Omics, Revvity
Classification: Pathogenic. Last evaluated: 2020-02-13. Review status: criteria provided, single submitter. Criteria: ACMG Guidelines, 2015. Collection method: clinical testing. Allele origin: germline. Not counted in ClinVar's aggregate classification.

Eurofins Ntd Llc (ga)
Classification: Pathogenic. Last evaluated: 2012-10-23. Review status: criteria provided, single submitter. Criteria: EGL Classification Definitions. Collection method: clinical testing. Allele origin: germline. Observed: 1 variant allele, 1 heterozygote. Not counted in ClinVar's aggregate classification.

Literature cited by the submitters: PubMed 38250073 (cited by Genomenon, Inc); PubMed 22334186 (cited by Genomenon, Inc); PubMed 29149851 (cited by Genomenon, Inc and Labcorp Genetics (formerly Invitae), Labcorp); PubMed 28972689 (cited by Genomenon, Inc); PubMed 27905573 (cited by Genomenon, Inc); PubMed 16838077 (cited by Genomenon, Inc and Labcorp Genetics (formerly Invitae), Labcorp); PubMed 35787971 (cited by Genomenon, Inc); PubMed 18425781 (cited by Labcorp Genetics (formerly Invitae), Labcorp); PubMed 22252923 (cited by Labcorp Genetics (formerly Invitae), Labcorp); PubMed 23757202 (cited by Eurofins Ntd Llc (ga)).

NM_000152.5(GAA):c.2066_2070dup (p.Ala691fs)

Gene: GAA (alpha glucosidase; plus strand). Cytogenetic location: 17q25.3.
Variant type: Duplication.
Coding change: c.2066_2070dup on transcript NM_000152.5 (MANE Select); coding-DNA positions 2066 to 2070, 5 bases duplicated (AGCCG; older notation c.2066_2070dupAGCCG).
Protein change: p.Ala691fs; shifts the reading frame from alanine 691.
Molecular consequence: frameshift variant.
Genome position (GRCh38, 1-based): chr17:80,113,243-80,113,247, AGCCG duplicated; duplicating any 5 consecutive bases within chr17:80,113,241-80,113,247 gives the same sequence; the c. name uses the placement nearest the transcript's 3' end. VCF-style (leftmost placement, unchanged base first): chr17-80113240-G-GCGAGC. GRCh37 (hg19) VCF-style: chr17-78087039-G-GCGAGC.
Other names: NM_000152.5(GAA):c.2066_2070dup; p.Ala691fs; c.2066_2070dupAGCCG (NM_000152.3); c.2066_2070dup, p.Ala691fs (NM_001079803.3, NM_001079804.3); c.2066_2070dup (LRG_673t1); short protein forms A691fs.
Identifiers: ClinVar variation 92471 (VCV000092471.22), dbSNP rs398123171, ClinGen allele CA220395.
Genomic context (GRCh38, chr17:80,113,240, plus strand): 5'-GCACCCAAGTGCTTCCTTTGCCCCCGCCTGCCCTGCAGCCCCAGGAGCCGTACAGCTTCA[G>GCGAGC]CGAGCCGGCCCAGCAGGCCATGAGGAAGGCCCTCACCCTGCGCTACGCACTCCTCCCCCA-3'